The following is an entry in ClinVar:

NM_001182.5(ALDH7A1):c.1184T>G (p.Val395Gly)

Gene: ALDH7A1 (aldehyde dehydrogenase 7 family member A1; minus strand). Cytogenetic location: 5q23.2.
Variant type: single nucleotide variant.
Coding change: c.1184T>G on transcript NM_001182.5 (MANE Select); coding-DNA position 1184, T replaced by G.
Protein change: p.Val395Gly; replaces valine 395 with glycine.
Molecular consequence: missense variant. On other transcripts: intron variant (1).
Genome position (GRCh38, 1-based): chr5:126,554,303, A>C on the plus strand (T>G on the coding strand, the complement: ALDH7A1 is on the minus strand). VCF-style: chr5-126554303-A-C. GRCh37 (hg19) VCF-style: chr5-125889995-A-C.
Other names: c.1100T>G, p.Val367Gly (NM_001201377.2); c.1009-2166T>G (NM_001202404.2); short protein forms V367G, V395G.
Identifiers: ClinVar variation 4525886 (VCV004525886.1).

ClinVar aggregate classification (germline): Uncertain significance (1 of 4 stars; one submission).

Submission:

Women's Health and Genetics/Laboratory Corporation of America, LabCorp
Classification: Uncertain significance. Last evaluated: 2025-07-15. Review status: criteria provided, single submitter. Criteria: LabCorp Variant Classification Summary - May 2015. Collection method: clinical testing. Allele origin: germline.
Comment: Variant summary: ALDH7A1 c.1184T>G (p.Val395Gly) results in a non-conservative amino acid change in the encoded protein sequence. Algorithms developed to predict the effect of missense changes on protein structure and function all suggest that this variant is likely to be disruptive. The variant was absent in 251464 control chromosomes (gnomAD). c.1184T>G has been observed in an individual affected with Pyridoxine-Dependent Epilepsy (Plecko_2007). These data do not allow any conclusion about variant significance. At least one publication reports experimental evidence evaluating an impact on protein function. The most pronounced variant effect results in 12% of normal enzymatic activity (Coulter-Mackie_2014). No submitters have cited clinical-significance assessments for this variant to ClinVar. Based on the evidence outlined above, the variant was classified as VUS-possibly pathogenic.

Literature cited by the submitters: PubMed 17068770; PubMed 24613284.